The following is an entry in ClinVar:

ClinVar aggregate classification (germline): Likely pathogenic (1 of 4 stars; one submission).

Submission:

Mayo Clinic Laboratories, Mayo Clinic
Classification: Likely pathogenic. Last evaluated: 2024-06-13. Review status: criteria provided, single submitter. Criteria: ACMG Guidelines, 2015. Collection method: clinical testing. Allele origin: germline. Observed: 1 variant allele.
Comment: PM2, PVS1

NM_015631.6(TCTN3):c.500-3_515del

Gene: TCTN3 (tectonic family member 3; minus strand). Cytogenetic location: 10q24.1.
Variant type: Deletion.
Coding change: c.500-3_515del on transcript NM_015631.6 (MANE Select); 3 bases into the intron before coding-DNA position 500 through coding-DNA position 515, 19 bases deleted (TAGCAAACTTAAACTATTT).
Molecular consequence: splice acceptor variant. On other transcripts: intron variant (1).
Genome position (GRCh38, 1-based): chr10:95,687,704-95,687,722, AAATAGTTTAAGTTTGCTA deleted on the plus strand (TAGCAAACTTAAACTATTT on the coding strand, the reverse complement: TCTN3 is on the minus strand); deleting any 19 consecutive bases within chr10:95,687,704-95,687,726 gives the same sequence; the c. name uses the placement nearest the transcript's 3' end. VCF-style (leftmost placement, unchanged base first): chr10-95687703-GAAATAGTTTAAGTTTGCTA-G. GRCh37 (hg19) VCF-style: chr10-97447460-GAAATAGTTTAAGTTTGCTA-G.
Other names: p.?; c.500-563_500-545del (NM_001143973.2); c.500-3_515del (NM_001410982.1).
Identifiers: ClinVar variation 3381064 (VCV003381064.1).
Genomic context (GRCh38, chr10:95,687,703, plus strand): 5'-GCCTCCAAACTCTGCAGCCAGGGCCTGGAAGTTGGTTGCATTGACCTTTTGAAGCTTCTG[GAAATAGTTTAAGTTTGCTA>G]AAATGTTTTTTAAAAGAAAAAGCGTTTAGATAAAAGAAAAACATGCCAAGTAACTAATTT-3'